The following is an entry in ClinVar:

ClinVar aggregate classification (germline): Uncertain significance (1 of 4 stars; one submission).

Submission:

Labcorp Genetics (formerly Invitae), Labcorp
Classification: Uncertain significance. Last evaluated: 2022-08-12. Review status: criteria provided, single submitter. Criteria: Invitae Variant Classification Sherloc (09022015). Collection method: clinical testing. Allele origin: germline.
Comment: This variant is not present in population databases (gnomAD no frequency). In summary, the available evidence is currently insufficient to determine the role of this variant in disease. Therefore, it has been classified as a Variant of Uncertain Significance. Advanced modeling of protein sequence and biophysical properties (such as structural, functional, and spatial information, amino acid conservation, physicochemical variation, residue mobility, and thermodynamic stability) performed at Invitae indicates that this missense variant is not expected to disrupt NSD1 protein function. This variant has not been reported in the literature in individuals affected with NSD1-related conditions. This sequence change replaces glycine, which is neutral and non-polar, with alanine, which is neutral and non-polar, at codon 2324 of the NSD1 protein (p.Gly2324Ala).

NM_022455.5(NSD1):c.6971G>C (p.Gly2324Ala)

Gene: NSD1 (nuclear receptor binding SET domain protein 1; plus strand). Cytogenetic location: 5q35.3.
Variant type: single nucleotide variant.
Coding change: c.6971G>C on transcript NM_022455.5 (MANE Select); coding-DNA position 6971, G replaced by C.
Protein change: p.Gly2324Ala; replaces glycine 2324 with alanine.
Molecular consequence: missense variant.
Genome position (GRCh38, 1-based): chr5:177,294,339, G>C. VCF-style: chr5-177294339-G-C. GRCh37 (hg19) VCF-style: chr5-176721340-G-C.
Other names: c.6098G>C, p.Gly2033Ala (NM_001365684.2, NM_001409308.1, NM_172349.5); c.6971G>C, p.Gly2324Ala (NM_001409301.1, NM_001409302.1, NM_001409303.1); c.6551G>C, p.Gly2184Ala (NM_001409304.1); c.6218G>C, p.Gly2073Ala (NM_001409305.1); c.6209G>C, p.Gly2070Ala (NM_001409306.1, NM_001409307.1); c.5849G>C, p.Gly1950Ala (NM_001409309.1); short protein forms G1950A, G2033A, G2055A, G2070A, G2073A, G2184A, G2324A.
Identifiers: ClinVar variation 1715588 (VCV001715588.6), dbSNP rs2127280559, ClinGen allele CA362327533.